The following is an entry in ClinVar:

NM_004612.4(TGFBR1):c.815C>G (p.Thr272Ser)

Gene: TGFBR1 (transforming growth factor beta receptor 1; plus strand). Cytogenetic location: 9q22.33.
Variant type: single nucleotide variant.
Coding change: c.815C>G on transcript NM_004612.4 (MANE Select); coding-DNA position 815, C replaced by G.
Protein change: p.Thr272Ser; replaces threonine 272 with serine.
Molecular consequence: missense variant. On other transcripts: non-coding transcript variant (4), intron variant (2).
Genome position (GRCh38, 1-based): chr9:99,142,545, C>G. VCF-style: chr9-99142545-C-G. GRCh37 (hg19) VCF-style: chr9-101904827-C-G.
Other names: c.584C>G, p.Thr195Ser (NM_001130916.3, NM_001407435.1); c.827C>G, p.Thr276Ser (NM_001306210.2); c.620C>G, p.Thr207Ser (NM_001407418.1, NM_001407419.1, NM_001407420.1 and 1 more transcripts); c.608C>G, p.Thr203Ser (NM_001407423.1, NM_001407424.1, NM_001407425.1 and 8 more transcripts); c.569C>G, p.Thr190Ser (NM_001407436.1); c.107C>G, p.Thr36Ser (NM_001407437.1); c.338C>G, p.Thr113Ser (NM_001407438.1); c.818-2187C>G (NM_001407416.1); and 2 more; short protein forms T113S, T190S, T195S, T203S, T207S, T272S, T276S, T36S.
Identifiers: ClinVar variation 3389850 (VCV003389850.16).

ClinVar aggregate classification (germline): Uncertain significance. Review status: criteria provided, multiple submitters, no conflicts (2 of 4 stars). 3 submissions from 3 submitters: Uncertain significance (3). Last evaluated 2026-03-18.

Conditions:
Familial thoracic aortic aneurysm and aortic dissection (TAAD). Also called: Thoracic aortic aneurysms and dissections. Identifiers: Orphanet 91387, MedGen C4707243, MONDO:0019625.

Submissions (3):

GeneDx
Classification: Uncertain significance. Last evaluated: 2026-03-18. Review status: criteria provided, single submitter. Criteria: GeneDx Variant Classification Process June 2021. Collection method: clinical testing. Allele origin: germline.
Comment: Not observed at significant frequency in large population cohorts (gnomAD); In silico analysis supports that this missense variant has a deleterious effect on protein structure/function; Has not been previously published as pathogenic or benign to our knowledge

Color Diagnostics, LLC DBA Color Health
Classification: Uncertain significance for Familial thoracic aortic aneurysm and aortic dissection. Last evaluated: 2025-10-27. Review status: criteria provided, single submitter. Criteria: ACMG Guidelines, 2015. Collection method: clinical testing. Allele origin: germline.
Comment: This missense variant replaces threonine with serine at codon 272 of the TGFBR1 protein. Computational prediction suggests that this variant may not impact protein structure and function. To our knowledge, functional studies have not been reported for this variant. This variant has not been reported in individuals affected with TGFBR1-related disorders in the literature. This variant has not been identified in the general population by the Genome Aggregation Database (gnomAD). The available evidence is insufficient to determine the role of this variant in disease conclusively. Therefore, this variant is classified as a Variant of Uncertain Significance.

CeGaT Center for Human Genetics Tuebingen
Classification: Uncertain significance. Last evaluated: 2024-10-01. Review status: criteria provided, single submitter. Criteria: CeGaT Center For Human Genetics Tuebingen Variant Classification Criteria Version 2. Collection method: clinical testing. Allele origin: germline. Affected: yes. Observed: 1 variant allele.
Comment: TGFBR1: PM2, PP3